The following is an entry in ClinVar:

NM_014423.4(AFF4):c.1181G>A (p.Gly394Glu)

Gene: AFF4 (ALF transcription elongation factor 4; minus strand). Cytogenetic location: 5q31.1.
Variant type: single nucleotide variant.
Coding change: c.1181G>A on transcript NM_014423.4 (MANE Select); coding-DNA position 1181, G replaced by A.
Protein change: p.Gly394Glu; replaces glycine 394 with glutamic acid.
Molecular consequence: missense variant.
Genome position (GRCh38, 1-based): chr5:132,899,594, C>T on the plus strand (G>A on the coding strand, the complement: AFF4 is on the minus strand). VCF-style: chr5-132899594-C-T. GRCh37 (hg19) VCF-style: chr5-132235286-C-T.
Other names: short protein forms G394E.
Identifiers: ClinVar variation 4689879 (VCV004689879.1).
Genomic context (GRCh38, chr5:132,899,594, plus strand): 5'-ATACAATGAAAATACTATATGAGACTGGCAAAATAATACAATAGTAGACACACCTGTTCC[C>T]CATCACTGTCTTCACTGCTGCTTAGTTTTAAGTCATCTTTTAACATACTAGAGGGAAAAG-3'
Protein context (NP_055238.1, residues 384-404): LKLSSSEDSD[Gly394Glu]EQDCDKTMPR

ClinVar aggregate classification (germline): Uncertain significance (1 of 4 stars; one submission).

Submission:

GeneDx
Classification: Uncertain significance. Last evaluated: 2025-07-28. Review status: criteria provided, single submitter. Criteria: GeneDx Variant Classification Process June 2021. Collection method: clinical testing. Allele origin: germline. Affected: yes.
Comment: Not observed at significant frequency in large population cohorts (gnomAD); In silico analysis suggests that this missense variant does not alter protein structure/function; Has not been previously published as pathogenic or benign to our knowledge